The following is an entry in ClinVar:

ClinVar aggregate classification (germline): Likely benign (0 of 4 stars; one submission).

Conditions:
NPHP4-related disorder. Also called: NPHP4-related condition; NPHP4-related disorders. Identifiers: MedGen CN239384.

Allele frequency attached by ClinVar (database versions not stated): gnomAD exomes below 0.00001; ExAC 0.00001.
gnomAD v4.1: 15 of 1,609,594 alleles (0.00093%); highest among the groups gnomAD compares: South Asian, 0.0022%; no homozygotes.

Submission:

PreventionGenetics, part of Exact Sciences
Classification: Likely benign for NPHP4-related condition. Last evaluated: 2019-06-17. Review status: no assertion criteria provided. Collection method: clinical testing. Allele origin: germline.
Comment: This variant is classified as likely benign based on ACMG/AMP sequence variant interpretation guidelines (Richards et al. 2015 PMID: 25741868, with internal and published modifications).

NM_015102.5(NPHP4):c.2241G>A (p.Leu747=)

Gene: NPHP4 (nephrocystin 4; minus strand). Cytogenetic location: 1p36.31.
Variant type: single nucleotide variant.
Coding change: c.2241G>A on transcript NM_015102.5 (MANE Select); coding-DNA position 2241, G replaced by A.
Protein change: p.Leu747=; no amino-acid change (leucine 747 retained).
Molecular consequence: synonymous variant. On other transcripts: non-coding transcript variant (1).
Genome position (GRCh38, 1-based): chr1:5,890,931, C>T on the plus strand (G>A on the coding strand, the complement: NPHP4 is on the minus strand). VCF-style: chr1-5890931-C-T. GRCh37 (hg19) VCF-style: chr1-5950991-C-T.
Other names: c.702G>A, p.Leu234= (NM_001291593.2); c.705G>A, p.Leu235= (NM_001291594.2).
Identifiers: ClinVar variation 3033780 (VCV003033780.2), dbSNP rs746055878, ClinGen allele CA554230.